The following is an entry in ClinVar:

NM_020975.6(RET):c.1878G>A (p.Gln626=)

Gene: RET (ret proto-oncogene; plus strand). Cytogenetic location: 10q11.21.
Variant type: single nucleotide variant.
Coding change: c.1878G>A on transcript NM_020975.6 (MANE Select); coding-DNA position 1878, G replaced by A.
Protein change: p.Gln626=; no amino-acid change (glutamine 626 retained).
Molecular consequence: synonymous variant. On other transcripts: intron variant (2).
Genome position (GRCh38, 1-based): chr10:43,113,674, G>A. VCF-style: chr10-43113674-G-A. GRCh37 (hg19) VCF-style: chr10-43609122-G-A.
Other names: c.1878G>A, p.Gln626= (NM_000323.2, NM_001406743.1, NM_001406744.1 and 6 more transcripts); c.1116G>A, p.Gln372= (NM_001355216.2); c.1749G>A, p.Gln583= (NM_001406761.1, NM_001406762.1, NM_001406764.1 and 1 more transcripts); c.1590G>A, p.Gln530= (NM_001406766.1, NM_001406767.1, NM_001406770.1); c.1482G>A, p.Gln494= (NM_001406769.1, NM_001406772.1); c.1440G>A, p.Gln480= (NM_001406771.1, NM_001406773.1); c.1353G>A, p.Gln451= (NM_001406774.1); c.1152G>A, p.Gln384= (NM_001406775.1, NM_001406776.1, NM_001406777.1 and 1 more transcripts); and 7 more.
Identifiers: ClinVar variation 405550 (VCV000405550.17), dbSNP rs147692872, ClinGen allele CA035935.
Genomic context (GRCh38, chr10:43,113,674, plus strand): 5'-TGGCACCTGCAACTGCTTCCCTGAGGAGGAGAAGTGCTTCTGCGAGCCCGAAGACATCCA[G>A]GGTGAGTGGGTGGCGGCCGGGACCACCACCACCTCCCAGCCCCACAGAGGTCTCAACAGC-3'
Protein context (NP_066124.1, residues 616-636): EKCFCEPEDI[Gln626=]DPLCDELCRT

ClinVar aggregate classification (germline): Conflicting classifications of pathogenicity. Review status: criteria provided, conflicting classifications (1 of 4 stars). 8 submissions from 8 submitters: Uncertain significance (1); Likely benign (5). 2 of the submissions do not count toward it. Last evaluated 2026-01-20.

Conditions:
Multiple endocrine neoplasia, type 2 (MEN2). Identifiers: Orphanet 653, MedGen C4048306, MONDO:0019003. Disease mechanism: gain of function.
Multiple endocrine neoplasia type 2A. Also called: MULTIPLE ENDOCRINE NEOPLASIA, TYPE IIA; PTC SYNDROME; SIPPLE SYNDROME; MEN 2A; MEN-2A syndrome; Pheochromocytoma and amyloid producing medullary thyroid carcinoma. Identifiers: Orphanet 247698, Orphanet 653, MedGen C0025268, MeSH D018813, MONDO:0008234, OMIM 171400.
RET-related disorder. Also called: RET-related condition; RET-related disease; RET-related disorders.
Hereditary cancer-predisposing syndrome. Also called: Hereditary Cancer Syndrome; Hereditary neoplastic syndrome; Neoplastic Syndromes, Hereditary; Tumor predisposition. Identifiers: Orphanet 140162, MedGen C0027672, MeSH D009386, MONDO:0015356.

Allele frequency attached by ClinVar (database versions not stated): gnomAD 0.00003; ExAC 0.00004; gnomAD exomes 0.00004; TOPMed 0.00004.
gnomAD v4.1: 154 of 1,612,932 alleles (0.0095%); highest among the groups gnomAD compares: Non-Finnish European, 0.013%; no homozygotes.

Submissions (8):

Labcorp Genetics (formerly Invitae), Labcorp
Classification: Uncertain significance for Multiple endocrine neoplasia, type 2. Last evaluated: 2026-01-20. Review status: criteria provided, single submitter. Criteria: Invitae Variant Classification Sherloc (09022015). Collection method: clinical testing. Allele origin: germline.
Comment: This sequence change affects codon 626 of the RET mRNA. It is a 'silent' change, meaning that it does not change the encoded amino acid sequence of the RET protein. It affects a nucleotide within the consensus splice site. This variant is present in population databases (rs147692872, gnomAD 0.008%). This variant has not been reported in the literature in individuals affected with RET-related conditions. ClinVar contains an entry for this variant (Variation ID: 405550). Algorithms developed to predict the effect of sequence changes on RNA splicing suggest that this variant is not likely to affect RNA splicing. In summary, the available evidence is currently insufficient to determine the role of this variant in disease. Therefore, it has been classified as a Variant of Uncertain Significance.

All of Us Research Program, National Institutes of Health
Classification: Likely benign for Multiple endocrine neoplasia, type 2. Last evaluated: 2023-11-20. Review status: criteria provided, single submitter. Criteria: ACMG Guidelines, 2015. Collection method: clinical testing. Allele origin: germline. Inheritance: Autosomal dominant inheritance. Observed: 10 variant alleles, 10 heterozygotes.
Comment: This study involves interpretation of variants in research participants for the purpose of population health screening. Participant phenotype was not available at the time of variant classification. Additional details can be found in publication PMID: 35346344, PMCID: PMC8962531

Myriad Genetics, Inc.
Classification: Likely benign for Multiple endocrine neoplasia type 2A. Last evaluated: 2023-04-17. Review status: criteria provided, single submitter. Criteria: Myriad Autosomal Dominant, Autosomal Recessive and X-Linked Classification Criteria (2023). Collection method: clinical testing. Allele origin: unknown.
Comment: This variant is considered likely benign. This variant has been observed at a population frequency that is significantly greater than expected given the associated disease prevalence and penetrance.

Color Diagnostics, LLC DBA Color Health
Classification: Likely benign for Multiple endocrine neoplasia, type 2. Last evaluated: 2023-03-23. Review status: criteria provided, single submitter. Criteria: ACMG Guidelines, 2015. Collection method: clinical testing. Allele origin: germline.

Sema4
Classification: Likely benign for Hereditary cancer-predisposing syndrome. Last evaluated: 2021-10-07. Review status: criteria provided, single submitter. Criteria: Sema4 Curation Guidelines. Collection method: curation. Allele origin: germline.

Ambry Genetics
Classification: Likely benign for Hereditary cancer-predisposing syndrome. Last evaluated: 2015-08-19. Review status: criteria provided, single submitter. Criteria: Ambry Variant Classification Scheme 2023. Collection method: clinical testing. Allele origin: germline.

PreventionGenetics, part of Exact Sciences
Classification: Likely benign for RET-related condition. Last evaluated: 2024-05-21. Review status: no assertion criteria provided. Collection method: clinical testing. Allele origin: germline. Not counted in ClinVar's aggregate classification.
Comment: This variant is classified as likely benign based on ACMG/AMP sequence variant interpretation guidelines (Richards et al. 2015 PMID: 25741868, with internal and published modifications).

Counsyl
Classification: Uncertain significance for Multiple endocrine neoplasia type 2A. Last evaluated: 2017-10-10. Review status: no assertion criteria provided. Collection method: clinical testing. Allele origin: unknown. Not counted in ClinVar's aggregate classification.